The following is an entry in ClinVar:

NM_005045.4(RELN):c.7839C>G (p.Phe2613Leu)

Gene: RELN (reelin; minus strand). Cytogenetic location: 7q22.1.
Variant type: single nucleotide variant.
Coding change: c.7839C>G on transcript NM_005045.4 (MANE Select); coding-DNA position 7839, C replaced by G.
Protein change: p.Phe2613Leu; replaces phenylalanine 2613 with leucine.
Molecular consequence: missense variant.
Genome position (GRCh38, 1-based): chr7:103,519,346, G>C on the plus strand (C>G on the coding strand, the complement: RELN is on the minus strand). VCF-style: chr7-103519346-G-C. GRCh37 (hg19) VCF-style: chr7-103159793-G-C.
Other names: c.7839C>G, p.Phe2613Leu (NM_173054.3); short protein forms F2613L.
Identifiers: ClinVar variation 2938930 (VCV002938930.3), dbSNP rs746938753, ClinGen allele CA4420651.

ClinVar aggregate classification (germline): Uncertain significance (1 of 4 stars; one submission).

Conditions:
Norman-Roberts syndrome (LIS2). Also called: Lissencephaly 2 (Norman-Roberts type). Identifiers: Orphanet 89844, MedGen C0796089, MONDO:0009760, OMIM 257320.
Familial temporal lobe epilepsy 7. Identifiers: Orphanet 101046, MedGen C4225327, MONDO:0014639, OMIM 616436.

Allele frequency attached by ClinVar (database versions not stated): gnomAD exomes below 0.00001; TOPMed below 0.00001; ExAC 0.00001; gnomAD 0.00001.
gnomAD v4.1: 7 of 1,613,726 alleles (0.00043%); highest among the groups gnomAD compares: Non-Finnish European, 0.00059%; no homozygotes.

Submission:

Labcorp Genetics (formerly Invitae), Labcorp
Classification: Uncertain significance for Familial temporal lobe epilepsy 7; Norman-Roberts syndrome. Last evaluated: 2023-02-19. Review status: criteria provided, single submitter. Criteria: Invitae Variant Classification Sherloc (09022015). Collection method: clinical testing. Allele origin: germline.
Comment: In summary, the available evidence is currently insufficient to determine the role of this variant in disease. Therefore, it has been classified as a Variant of Uncertain Significance. Advanced modeling of protein sequence and biophysical properties (such as structural, functional, and spatial information, amino acid conservation, physicochemical variation, residue mobility, and thermodynamic stability) performed at Invitae indicates that this missense variant is not expected to disrupt RELN protein function. This variant has not been reported in the literature in individuals affected with RELN-related conditions. This variant is not present in population databases (gnomAD no frequency). This sequence change replaces phenylalanine, which is neutral and non-polar, with leucine, which is neutral and non-polar, at codon 2613 of the RELN protein (p.Phe2613Leu).